The following is an entry in ClinVar:

NM_004859.4(CLTC):c.3187_3188delinsAT (p.Glu1063Met)

Gene: CLTC (clathrin heavy chain; plus strand). Cytogenetic location: 17q23.1.
Variant type: Indel.
Coding change: c.3187_3188delinsAT on transcript NM_004859.4 (MANE Select); coding-DNA positions 3187 to 3188, GA replaced by AT.
Protein change: p.Glu1063Met; replaces glutamic acid 1063 with methionine.
Molecular consequence: missense variant.
Genome position (GRCh38, 1-based): chr17:59,681,416-59,681,417, GA replaced by AT. VCF-style: chr17-59681416-GA-AT. GRCh37 (hg19) VCF-style: chr17-57758777-GA-AT.
Other names: c.3199_3200delinsAT, p.Glu1067Met (NM_001288653.2); short protein forms E1067M, E1063M.
Identifiers: ClinVar variation 1366423 (VCV001366423.6), dbSNP rs2143591608, ClinGen allele CA2573154433.

ClinVar aggregate classification (germline): Uncertain significance (1 of 4 stars; one submission).

Submission:

Labcorp Genetics (formerly Invitae), Labcorp
Classification: Uncertain significance. Last evaluated: 2025-12-21. Review status: criteria provided, single submitter. Criteria: Invitae Variant Classification Sherloc (09022015). Collection method: clinical testing. Allele origin: germline.
Comment: This sequence change replaces glutamic acid, which is acidic and polar, with methionine, which is neutral and non-polar, at codon 1067 of the CLTC protein (p.Glu1067Met). Information on the frequency of this variant in the gnomAD database is not available, as this variant may be reported differently in the database. This variant has not been reported in the literature in individuals affected with CLTC-related conditions. ClinVar contains an entry for this variant (Variation ID: 1366423). Experimental studies and prediction algorithms are not available or were not evaluated, and the functional significance of this variant is currently unknown. In summary, the available evidence is currently insufficient to determine the role of this variant in disease. Therefore, it has been classified as a Variant of Uncertain Significance.